The following is an entry in ClinVar:

ClinVar aggregate classification (germline): Uncertain significance. Review status: criteria provided, multiple submitters, no conflicts (2 of 4 stars). 3 submissions from 3 submitters: Uncertain significance (3). Last evaluated 2024-11-12.

Conditions:
Inborn genetic diseases. Identifiers: MedGen C0950123, MeSH D030342.

Allele frequency attached by ClinVar (database versions not stated): ExAC 0.00007; gnomAD exomes 0.00007; TOPMed 0.00010; gnomAD 0.00014; ESP Exome Variant Server 0.00016.
gnomAD v4.1: 124 of 1,614,176 alleles (0.0077%); highest among the groups gnomAD compares: Non-Finnish European, 0.0097%; no homozygotes.

Submissions (3):

Blueprint Genetics
Classification: Uncertain significance. Last evaluated: 2024-11-12. Review status: criteria provided, single submitter. Criteria: ACMG Guidelines, 2015. Collection method: clinical testing. Allele origin: germline.

Labcorp Genetics (formerly Invitae), Labcorp
Classification: Uncertain significance. Last evaluated: 2023-12-11. Review status: criteria provided, single submitter. Criteria: Invitae Variant Classification Sherloc (09022015). Collection method: clinical testing. Allele origin: germline.
Comment: This sequence change replaces arginine, which is basic and polar, with glutamine, which is neutral and polar, at codon 1260 of the TRPM1 protein (p.Arg1260Gln). This variant is present in population databases (rs368901614, gnomAD 0.01%). This variant has not been reported in the literature in individuals affected with TRPM1-related conditions. ClinVar contains an entry for this variant (Variation ID: 933751). Advanced modeling of protein sequence and biophysical properties (such as structural, functional, and spatial information, amino acid conservation, physicochemical variation, residue mobility, and thermodynamic stability) performed at Invitae indicates that this missense variant is not expected to disrupt TRPM1 protein function with a negative predictive value of 95%. In summary, the available evidence is currently insufficient to determine the role of this variant in disease. Therefore, it has been classified as a Variant of Uncertain Significance.

Ambry Genetics
Classification: Uncertain significance for Inborn genetic diseases. Last evaluated: 2023-02-28. Review status: criteria provided, single submitter. Criteria: Ambry Variant Classification Scheme 2023. Collection method: clinical testing. Allele origin: germline.

NM_001252024.2(TRPM1):c.3845G>A (p.Arg1282Gln)

Gene: TRPM1 (transient receptor potential cation channel subfamily M member 1; minus strand). Cytogenetic location: 15q13.3.
Variant type: single nucleotide variant.
Coding change: c.3845G>A on transcript NM_001252024.2 (MANE Select); coding-DNA position 3845, G replaced by A.
Protein change: p.Arg1282Gln; replaces arginine 1282 with glutamine.
Molecular consequence: missense variant.
Genome position (GRCh38, 1-based): chr15:31,002,855, C>T on the plus strand (G>A on the coding strand, the complement: TRPM1 is on the minus strand). VCF-style: chr15-31002855-C-T. GRCh37 (hg19) VCF-style: chr15-31295058-C-T.
Other names: c.3779G>A (NM_002420.4); c.3896G>A, p.Arg1299Gln (NM_001252020.2); c.3779G>A, p.Arg1260Gln (NM_002420.6); short protein forms R1260Q, R1299Q, R1282Q.
Identifiers: ClinVar variation 933751 (VCV000933751.8), dbSNP rs368901614, ClinGen allele CA7451744.
Genomic context (GRCh38, chr15:31,002,855, plus strand): 5'-TCTCCGTTAAAATGATATCGATACAAGCTGTAGCCATCAGCGCTATTGATGCTGCTTTGC[C>T]GGAGAAGATACGTTGCCTCACATTCAGAAGAAGCCCGGGACCGTGCCTGGATCAGGTCAG-3'
Protein context (NP_001238953.1, residues 1272-1292): SSECEATYLL[Arg1282Gln]QSSINSADGY